The following is an entry in ClinVar:

NM_000969.5(RPL5):c.324+3A>G

Genes: DIPK1A (divergent protein kinase domain 1A; minus strand), RPL5 (ribosomal protein L5; plus strand). Cytogenetic location: 1p22.1.
Variant type: single nucleotide variant.
Coding change: c.324+3A>G on transcript NM_000969.5 (MANE Select); 3 bases into the intron after coding-DNA position 324, A replaced by G.
Molecular consequence: intron variant.
Genome position (GRCh38, 1-based): chr1:92,834,916, A>G. VCF-style: chr1-92834916-A-G. GRCh37 (hg19) VCF-style: chr1-93300473-A-G.
Other names: c.475-1882T>C (NM_001252273.2).
Identifiers: ClinVar variation 3652402 (VCV003652402.2).
Genomic context (GRCh38, chr1:92,834,916, plus strand): 5'-GGTTGGCCTGACAAATTATGCTGCAGCATATTGTACTGGCCTGCTGCTGGCCCGCAGGGT[A>G]TGTACAAGATGATTTTAATTGATGTAGTTTGTGGCTGATTGCTTGGAGAGTTTTCTGCAA-3'

ClinVar aggregate classification (germline): Uncertain significance (1 of 4 stars; one submission).

Conditions:
Diamond-Blackfan anemia. Also called: Blackfan Diamond syndrome; Aregenerative anemia chronic congenital; Red cell aplasia, pure hereditary; Congenital hypoplastic anemia; Aase syndrome. Identifiers: Orphanet 124, MedGen C1260899, MeSH D029503, MONDO:0015253, HP:0004810.

Submission:

Labcorp Genetics (formerly Invitae), Labcorp
Classification: Uncertain significance for Diamond-Blackfan anemia. Last evaluated: 2024-05-06. Review status: criteria provided, single submitter. Criteria: Invitae Variant Classification Sherloc (09022015). Collection method: clinical testing. Allele origin: germline.
Comment: This sequence change falls in intron 4 of the RPL5 gene. It does not directly change the encoded amino acid sequence of the RPL5 protein. It affects a nucleotide within the consensus splice site. This variant is not present in population databases (gnomAD no frequency). This variant has not been reported in the literature in individuals affected with RPL5-related conditions. Variants that disrupt the consensus splice site are a relatively common cause of aberrant splicing (PMID: 17576681, 9536098). Algorithms developed to predict the effect of sequence changes on RNA splicing suggest that this variant is not likely to affect RNA splicing. In summary, the available evidence is currently insufficient to determine the role of this variant in disease. Therefore, it has been classified as a Variant of Uncertain Significance.

Literature cited by the submitters: PubMed 17576681; PubMed 9536098.